The following is an entry in ClinVar:

ClinVar aggregate classification (germline): Conflicting classifications of pathogenicity. Review status: criteria provided, conflicting classifications (1 of 4 stars). 5 submissions from 5 submitters: Uncertain significance (1); Likely benign (3). 1 of the submissions does not count toward it. Last evaluated 2026-04-20.

Conditions:
NOTCH2-related disorder. Also called: NOTCH2-related condition.
Hajdu-Cheney syndrome (HJCYS). Also called: ACROOSTEOLYSIS WITH OSTEOPOROSIS AND CHANGES IN SKULL AND MANDIBLE; SERPENTINE FIBULA-POLYCYSTIC KIDNEY SYNDROME; Acroosteolysis dominant type. Identifiers: Orphanet 955, MedGen C0917715, MONDO:0007057, OMIM 102500.

Allele frequency attached by ClinVar (database versions not stated): gnomAD 0.00006; gnomAD exomes 0.00006 and 0.00015; ESP Exome Variant Server 0.00008; TOPMed 0.00008; ExAC 0.00009.
gnomAD v4.1: 229 of 1,614,068 alleles (0.014%); highest among the groups gnomAD compares: Non-Finnish European, 0.018%; 1 homozygote.

Submissions (5):

Women's Health and Genetics/Laboratory Corporation of America, LabCorp
Classification: Likely benign. Last evaluated: 2026-04-20. Review status: criteria provided, single submitter. Criteria: LabCorp Variant Classification Summary - May 2015. Collection method: clinical testing. Allele origin: germline.

Labcorp Genetics (formerly Invitae), Labcorp
Classification: Likely benign for Hajdu-Cheney syndrome. Last evaluated: 2025-09-08. Review status: criteria provided, single submitter. Criteria: Invitae Variant Classification Sherloc (09022015). Collection method: clinical testing. Allele origin: germline.

Blueprint Genetics
Classification: Likely benign. Last evaluated: 2024-08-15. Review status: criteria provided, single submitter. Criteria: ACMG Guidelines, 2015. Collection method: clinical testing. Allele origin: germline.

Eurofins Ntd Llc (ga)
Classification: Uncertain significance. Last evaluated: 2017-08-11. Review status: criteria provided, single submitter. Criteria: EGL Classification Definitions 2015. Collection method: clinical testing. Allele origin: germline. Observed: 1 variant allele, 1 heterozygote.

PreventionGenetics, part of Exact Sciences
Classification: Likely benign for NOTCH2-related condition. Last evaluated: 2022-12-28. Review status: no assertion criteria provided. Collection method: clinical testing. Allele origin: germline. Not counted in ClinVar's aggregate classification.
Comment: This variant is classified as likely benign based on ACMG/AMP sequence variant interpretation guidelines (Richards et al. 2015 PMID: 25741868, with internal and published modifications).

NM_024408.4(NOTCH2):c.3702T>C (p.His1234=)

Gene: NOTCH2 (notch receptor 2; minus strand). Cytogenetic location: 1p12.
Variant type: single nucleotide variant.
Coding change: c.3702T>C on transcript NM_024408.4 (MANE Select); coding-DNA position 3702, T replaced by C.
Protein change: p.His1234=; no amino-acid change (histidine 1234 retained).
Molecular consequence: synonymous variant.
Genome position (GRCh38, 1-based): chr1:119,929,166, A>G on the plus strand (T>C on the coding strand, the complement: NOTCH2 is on the minus strand). VCF-style: chr1-119929166-A-G. GRCh37 (hg19) VCF-style: chr1-120471789-A-G.
Other names: c.3702T>C (NM_024408.3).
Identifiers: ClinVar variation 593600 (VCV000593600.14), dbSNP rs376503331, ClinGen allele CA1039978.
Genomic context (GRCh38, chr1:119,929,166, plus strand): 5'-AGGCAAGCAGCGACAACTGTAGCCTCCAATCCTATCCATGCACTGACCACCATTAAGGCA[A>G]TGGGGACCCCGGGCACAGTCATCAATGTTCTCTTCACAGAGTAGGCCTGGAGGAAAGAGA-3'
Protein context (NP_077719.2, residues 1224-1244): ENIDDCARGP[His1234=]CLNGGQCMDR